The following is an entry in ClinVar:

ClinVar aggregate classification (germline): Uncertain significance. Review status: criteria provided, multiple submitters, no conflicts (2 of 4 stars). 4 submissions from 4 submitters: Uncertain significance (4). Last evaluated 2026-05-13.

Conditions:
Hereditary nonpolyposis colorectal neoplasms. Identifiers: MedGen C0009405, MeSH D003123.
Hereditary cancer-predisposing syndrome. Also called: Tumor predisposition; Hereditary Cancer Syndrome; Hereditary neoplastic syndrome; Neoplastic Syndromes, Hereditary. Identifiers: Orphanet 140162, MedGen C0027672, MeSH D009386, MONDO:0015356.
Lynch syndrome. Identifiers: Orphanet 144, MedGen C4552100, MONDO:0005835. Disease mechanism: loss of function.

Submissions (4):

Hema, HEMA – Genetic and Molecular Diagnostic Laboratory
Classification: Uncertain significance for Lynch syndrome. Last evaluated: 2026-05-13. Review status: criteria provided, single submitter. Criteria: HEMA Variant Classification Assertion Criteria. Collection method: clinical testing. Allele origin: germline.
Comment: The c.3289C>G p.(Pro1097Ala) variant is a transversion from cytosine to guanine, resulting in the substitution of proline 1097 with alanine. PM2_Supporting: Absent in the gnomAD v4.1.1 database. PP3_Moderate: The prior probability of pathogenicity score MAPP/PP2 = 0.8653 > 0.81, indicating that the variant would affect the function of the MSH6 protein.

Labcorp Genetics (formerly Invitae), Labcorp
Classification: Uncertain significance for Hereditary nonpolyposis colorectal neoplasms. Last evaluated: 2026-01-19. Review status: criteria provided, single submitter. Criteria: Invitae Variant Classification Sherloc (09022015). Collection method: clinical testing. Allele origin: germline.
Comment: This sequence change replaces proline, which is neutral and non-polar, with alanine, which is neutral and non-polar, at codon 1097 of the MSH6 protein (p.Pro1097Ala). This variant is not present in population databases (gnomAD no frequency). This variant has not been reported in the literature in individuals affected with MSH6-related conditions. ClinVar contains an entry for this variant (Variation ID: 483824). Invitae Evidence Modeling of protein sequence and biophysical properties (such as structural, functional, and spatial information, amino acid conservation, physicochemical variation, residue mobility, and thermodynamic stability) has been performed for this missense variant. However, the output from this modeling did not meet the statistical confidence thresholds required to predict the impact of this variant on MSH6 protein function. In summary, the available evidence is currently insufficient to determine the role of this variant in disease. Therefore, it has been classified as a Variant of Uncertain Significance.

Color Diagnostics, LLC DBA Color Health
Classification: Uncertain significance for Hereditary cancer-predisposing syndrome. Last evaluated: 2023-11-13. Review status: criteria provided, single submitter. Criteria: ACMG Guidelines, 2015. Collection method: clinical testing. Allele origin: germline.
Comment: This missense variant replaces proline with alanine at codon 1097 of the MSH6 protein. Computational prediction suggests that this variant may have deleterious impact on protein structure and function (internally defined REVEL score threshold >= 0.7, PMID: 27666373). To our knowledge, functional studies have not been reported for this variant. This variant has not been reported in individuals affected with MSH6-related disorders in the literature. This variant has not been identified in the general population by the Genome Aggregation Database (gnomAD). The available evidence is insufficient to determine the role of this variant in disease conclusively. Therefore, this variant is classified as a Variant of Uncertain Significance.

Ambry Genetics
Classification: Uncertain significance for Hereditary cancer-predisposing syndrome. Last evaluated: 2016-11-18. Review status: criteria provided, single submitter. Criteria: Ambry Variant Classification Scheme 2023. Collection method: clinical testing. Allele origin: germline.
Comment: The p.P1097A variant (also known as c.3289C>G), located in coding exon 5 of the MSH6 gene, results from a C to G substitution at nucleotide position 3289. The proline at codon 1097 is replaced by alanine, an amino acid with highly similar properties. This variant was not reported in population based cohorts in the following databases: Database of Single Nucleotide Polymorphisms (dbSNP), NHLBI Exome Sequencing Project (ESP), and 1000 Genomes Project. In the ESP, this variant was not observed in 6503 samples (13006 alleles) with coverage at this position. To date, this alteration has been detected with an allele frequency of approximately 0.0007% (greater than 150000 alleles tested) in our clinical cohort. This amino acid position is highly conserved in available vertebrate species. In addition, this alteration is predicted to be deleterious by in silico analysis. In addition, the CoDP in silico tool predicts this alteration to likely impair molecular function, with a score of 0.961 (Terui H et al. J. Biomed. Sci. 2013;20:25). Since supporting evidence is limited at this time, the clinical significance of this alteration remains unclear.

NM_000179.3(MSH6):c.3289C>G (p.Pro1097Ala)

Gene: MSH6 (mutS homolog 6; plus strand). Cytogenetic location: 2p16.3.
Variant type: single nucleotide variant.
Coding change: c.3289C>G on transcript NM_000179.3 (MANE Select); coding-DNA position 3289, C replaced by G.
Protein change: p.Pro1097Ala; replaces proline 1097 with alanine.
Molecular consequence: missense variant.
Genome position (GRCh38, 1-based): chr2:47,803,536, C>G. VCF-style: chr2-47803536-C-G. GRCh37 (hg19) VCF-style: chr2-48030675-C-G.
Other names: c.2383C>G, p.Pro795Ala (NM_001281493.2, NM_001281494.2); c.2899C>G, p.Pro967Ala (NM_001281492.2); short protein forms P1097A, P795A, P967A.
Identifiers: ClinVar variation 483824 (VCV000483824.9), dbSNP rs1553331477, ClinGen allele CA346758417.
Genomic context (GRCh38, chr2:47,803,536, plus strand): 5'-CCAGTAATTCTGTTGCCGGAAGATACCCCCCCCTTCTTAGAGCTTAAAGGATCACGCCAT[C>G]CTTGCATTACGAAGACTTTTTTTGGAGATGATTTTATTCCTAATGACATTCTAATAGGCT-3'
Protein context (NP_000170.1, residues 1087-1107): PFLELKGSRH[Pro1097Ala]CITKTFFGDD